The following is an entry in ClinVar:

NM_001159699.2(FHL1):c.613_614del (p.Val205fs)

Gene: FHL1 (four and a half LIM domains 1; plus strand). Cytogenetic location: Xq26.3.
Variant type: Microsatellite.
Coding change: c.613_614del on transcript NM_001159699.2 (MANE Select); coding-DNA positions 613 to 614, 2 bases deleted (GT; older notation c.613_614delGT).
Protein change: p.Val205fs; shifts the reading frame from valine 205.
Molecular consequence: frameshift variant. On other transcripts: non-coding transcript variant (1), intron variant (2).
Genome position (GRCh38, 1-based): chrX:136,208,518-136,208,519, GT deleted; deleting any 2 consecutive bases within chrX:136,208,511-136,208,519 gives the same sequence; the c. name uses the placement nearest the transcript's 3' end. VCF-style (leftmost placement, unchanged base first): chrX-136208510-TTG-T. GRCh37 (hg19) VCF-style: chrX-135290669-TTG-T.
Other names: c.565_566del, p.Val189fs (NM_001159700.2, NM_001159702.3, NM_001159704.1 and 8 more transcripts); c.652_653del, p.Val218fs (NM_001159701.2); c.501+550TG[3] (NM_001159703.2); c.549+550TG[3] (NM_001330659.2); c.613_614delGT (NM_001159699.1); short protein forms V189fs, V205fs, V218fs.
Identifiers: ClinVar variation 577855 (VCV000577855.10), dbSNP rs1569530588, ClinGen allele CA891844505.

ClinVar aggregate classification (germline): Pathogenic. Review status: criteria provided, multiple submitters, no conflicts (2 of 4 stars). 3 submissions from 3 submitters: Pathogenic (3). Last evaluated 2024-12-12.

Conditions:
X-linked myopathy with postural muscle atrophy. Also called: FHL1-Related Emery-Dreifuss Muscular Dystrophy, X-Linked. Identifiers: Orphanet 178461, MedGen C2678055, MONDO:0010401, OMIM 300696.
Cardiovascular phenotype. Identifiers: MedGen CN230736.

Submissions (3):

Ambry Genetics
Classification: Pathogenic for Cardiovascular phenotype. Last evaluated: 2024-12-12. Review status: criteria provided, single submitter. Criteria: Ambry Variant Classification Scheme 2023. Collection method: clinical testing. Allele origin: germline.
Comment: The c.565_566delGT pathogenic mutation, located in coding exon 4 of the FHL1 gene, results from a deletion of two nucleotides at nucleotide positions 565 to 566, causing a translational frameshift with a predicted alternate stop codon (p.V189Yfs*4). This variant is considered to be rare based on population cohorts in the Genome Aggregation Database (gnomAD). This alteration is expected to result in loss of function by premature protein truncation or nonsense-mediated mRNA decay. As such, this alteration is interpreted as a disease-causing mutation.

Labcorp Genetics (formerly Invitae), Labcorp
Classification: Pathogenic for X-linked myopathy with postural muscle atrophy. Last evaluated: 2024-09-24. Review status: criteria provided, single submitter. Criteria: Invitae Variant Classification Sherloc (09022015). Collection method: clinical testing. Allele origin: germline.
Comment: This sequence change creates a premature translational stop signal (p.Val189Tyrfs*4) in the FHL1 gene. It is expected to result in an absent or disrupted protein product. Loss-of-function variants in FHL1 are known to be pathogenic (PMID: 18179888, 19687455, 19716112, 22523091, 24114807). This variant is not present in population databases (gnomAD no frequency). This variant has not been reported in the literature in individuals affected with FHL1-related conditions. ClinVar contains an entry for this variant (Variation ID: 577855). For these reasons, this variant has been classified as Pathogenic.

Victorian Clinical Genetics Services, Murdoch Childrens Research Institute
Classification: Pathogenic for X-linked myopathy with postural muscle atrophy. Last evaluated: 2022-02-02. Review status: criteria provided, single submitter. Criteria: ACMG Guidelines, 2015. Collection method: clinical testing. Allele origin: germline. Inheritance: X-linked recessive inheritance. Affected: yes.
Comment: Based on the classification scheme VCGS_Germline_v1.3.4, this variant is classified as Pathogenic. Following criteria are met: 0102 - Loss of function is a known mechanism of disease in this gene and is associated with Emery-Dreifuss muscular dystrophy 6, X-linked (MIM#300696). (I) 0109 - This gene is associated with X-linked recessive disease. (I) 0115 - Variants in this gene are known to have variable expressivity. Variable muscle weakness has been reported for Emery-Dreifuss muscular dystrophy 6 (MIM#300696; PMID: 31840275). (I) 0201 - Variant is predicted to cause nonsense-mediated decay (NMD) and loss of protein (premature termination codon is located at least 54 nucleotides upstream of the final exon-exon junction). (SP) 0253 - This variant is hemizygous. (I) 0301 - Variant is absent from gnomAD (both v2 and v3). (SP) 0701 - Other NMD-predicted variants comparable to the one identified in this case have very strong previous evidence for pathogenicity (ClinVar, DECIPHER, PMID: 19716112). (SP) 0803 - This variant has limited previous evidence of pathogenicity in one individual. It has been reported once to be pathogenic by a diagnostic laboratory in ClinVar. (SP) 0905 - No published segregation evidence has been identified for this variant. (I) 1007 - No published functional evidence has been identified for this variant. (I) Legend: (SP) - Supporting pathogenic, (I) - Information, (SB) - Supporting benign

Literature cited by the submitters: PubMed 18179888 (cited by Labcorp Genetics (formerly Invitae), Labcorp); PubMed 19687455 (cited by Labcorp Genetics (formerly Invitae), Labcorp); PubMed 19716112 (cited by Labcorp Genetics (formerly Invitae), Labcorp and Victorian Clinical Genetics Services, Murdoch Childrens Research Institute); PubMed 22523091 (cited by Labcorp Genetics (formerly Invitae), Labcorp); PubMed 24114807 (cited by Labcorp Genetics (formerly Invitae), Labcorp); PubMed 31840275 (cited by Victorian Clinical Genetics Services, Murdoch Childrens Research Institute).